The following is an entry in ClinVar:

NM_015267.4(CUX2):c.858G>C (p.Gly286=)

Gene: CUX2 (cut like homeobox 2; plus strand). Cytogenetic location: 12q24.12.
Variant type: single nucleotide variant.
Coding change: c.858G>C on transcript NM_015267.4 (MANE Select); coding-DNA position 858, G replaced by C.
Protein change: p.Gly286=; no amino-acid change (glycine 286 retained).
Molecular consequence: synonymous variant.
Genome position (GRCh38, 1-based): chr12:111,304,314, G>C. VCF-style: chr12-111304314-G-C. GRCh37 (hg19) VCF-style: chr12-111742118-G-C.
Other names: c.672G>C, p.Gly224= (NM_001370598.1).
Identifiers: ClinVar variation 4535290 (VCV004535290.6).

ClinVar aggregate classification (germline): Likely benign (1 of 4 stars; one submission).

Submission:

CeGaT Center for Human Genetics Tuebingen
Classification: Likely benign. Last evaluated: 2025-11-01. Review status: criteria provided, single submitter. Criteria: CeGaT Center For Human Genetics Tuebingen Variant Classification Criteria Version 2. Collection method: clinical testing. Allele origin: germline. Affected: yes. Observed: 1 variant allele.
Comment: CUX2: PM2:Supporting, BP4, BP7